The following is an entry in ClinVar:

NM_206933.4(USH2A):c.13507G>A (p.Val4503Met)

Gene: USH2A (usherin; minus strand). Cytogenetic location: 1q41.
Variant type: single nucleotide variant.
Coding change: c.13507G>A on transcript NM_206933.4 (MANE Select); coding-DNA position 13507, G replaced by A.
Protein change: p.Val4503Met; replaces valine 4503 with methionine.
Molecular consequence: missense variant.
Genome position (GRCh38, 1-based): chr1:215,674,404, C>T on the plus strand (G>A on the coding strand, the complement: USH2A is on the minus strand). VCF-style: chr1-215674404-C-T. GRCh37 (hg19) VCF-style: chr1-215847746-C-T.
Other names: short protein forms V4503M.
Identifiers: ClinVar variation 1430993 (VCV001430993.6), dbSNP rs375419632, ClinGen allele CA37412377.

ClinVar aggregate classification (germline): Uncertain significance. Review status: criteria provided, multiple submitters, no conflicts (2 of 4 stars). 2 submissions from 2 submitters: Uncertain significance (2). Last evaluated 2021-10-14.

Allele frequency attached by ClinVar (database versions not stated): gnomAD exomes below 0.00001; TOPMed below 0.00001; ESP Exome Variant Server 0.00008.
gnomAD v4.1: 3 of 1,614,134 alleles (0.00019%); highest among the groups gnomAD compares: African/African-American, 0.0013%; no homozygotes.

Submissions (2):

Labcorp Genetics (formerly Invitae), Labcorp
Classification: Uncertain significance. Last evaluated: 2021-10-14. Review status: criteria provided, single submitter. Criteria: Invitae Variant Classification Sherloc (09022015). Collection method: clinical testing. Allele origin: germline.
Comment: This sequence change replaces valine with methionine at codon 4503 of the USH2A protein (p.Val4503Met). The valine residue is highly conserved and there is a small physicochemical difference between valine and methionine. This variant is not present in population databases (ExAC no frequency). This missense change has been observed in individual(s) with clinical features of USH2A-related conditions (Invitae). Algorithms developed to predict the effect of missense changes on protein structure and function output the following: SIFT: "Tolerated"; PolyPhen-2: "Benign"; Align-GVGD: "Class C0". The methionine amino acid residue is found in multiple mammalian species, which suggests that this missense change does not adversely affect protein function. In summary, the available evidence is currently insufficient to determine the role of this variant in disease. Therefore, it has been classified as a Variant of Uncertain Significance.

Blueprint Genetics
Classification: Uncertain significance. Last evaluated: 2019-11-12. Review status: criteria provided, single submitter. Criteria: ACMG Guidelines, 2015. Collection method: clinical testing. Allele origin: germline.